The following is an entry in ClinVar:

ClinVar aggregate classification (germline): Uncertain significance. Review status: criteria provided, multiple submitters, no conflicts (2 of 4 stars). 2 submissions from 2 submitters: Uncertain significance (2). Last evaluated 2025-08-27.

Conditions:
Hereditary cancer-predisposing syndrome. Also called: Neoplastic Syndromes, Hereditary; Tumor predisposition; Hereditary Cancer Syndrome; Hereditary neoplastic syndrome. Identifiers: Orphanet 140162, MedGen C0027672, MeSH D009386, MONDO:0015356.

Submissions (2):

Color Diagnostics, LLC DBA Color Health
Classification: Uncertain significance for Hereditary cancer-predisposing syndrome. Last evaluated: 2025-08-27. Review status: criteria provided, single submitter. Criteria: ACMG Guidelines, 2015. Collection method: clinical testing. Allele origin: germline.
Comment: This missense variant replaces leucine with phenylalanine at codon 184 of the STK11 protein. Computational prediction suggests that this variant may have deleterious impact on protein structure and function. To our knowledge, functional studies have not been reported for this variant. This variant has not been reported in individuals affected with STK11-related disorders in the literature. This variant has not been identified in the general population by the Genome Aggregation Database (gnomAD). The available evidence is insufficient to determine the role of this variant in disease conclusively. Therefore, this variant is classified as a Variant of Uncertain Significance.

Ambry Genetics
Classification: Uncertain significance for Hereditary cancer-predisposing syndrome. Last evaluated: 2025-06-24. Review status: criteria provided, single submitter. Criteria: Ambry Variant Classification Scheme 2023. Collection method: clinical testing. Allele origin: germline.
Comment: The p.L184F variant (also known as c.550C>T), located in coding exon 4 of the STK11 gene, results from a C to T substitution at nucleotide position 550. The leucine at codon 184 is replaced by phenylalanine, an amino acid with highly similar properties. This amino acid position is highly conserved in available vertebrate species. In addition, this alteration is predicted to be deleterious by in silico analysis. Based on the available evidence, the clinical significance of this variant remains unclear.

NM_000455.5(STK11):c.550C>T (p.Leu184Phe)

Gene: STK11 (serine/threonine kinase 11; plus strand). Cytogenetic location: 19p13.3.
Variant type: single nucleotide variant.
Coding change: c.550C>T on transcript NM_000455.5 (MANE Select); coding-DNA position 550, C replaced by T.
Protein change: p.Leu184Phe; replaces leucine 184 with phenylalanine.
Molecular consequence: missense variant. On other transcripts: non-coding transcript variant (1).
Genome position (GRCh38, 1-based): chr19:1,220,458, C>T. VCF-style: chr19-1220458-C-T. GRCh37 (hg19) VCF-style: chr19-1220457-C-T.
Other names: c.550C>T, p.Leu184Phe (NM_001407255.1); short protein forms L184F.
Identifiers: ClinVar variation 4176600 (VCV004176600.2).
Genomic context (GRCh38, chr19:1,220,458, plus strand): 5'-CTGGAGTACCTGCATAGCCAGGGCATTGTGCACAAGGACATCAAGCCGGGGAACCTGCTG[C>T]TCACCACCGGTGGCACCCTCAAAATCTCCGACCTGGGCGTGGCCGAGGTAGGCACGTGCT-3'
Protein context (NP_000446.1, residues 174-194): HKDIKPGNLL[Leu184Phe]TTGGTLKISD